The following is an entry in ClinVar:

ClinVar aggregate classification (germline): Likely benign. Review status: criteria provided, multiple submitters, no conflicts (2 of 4 stars). 2 submissions from 2 submitters: Likely benign (2). Last evaluated 2024-05-14.

Conditions:
Lynch syndrome. Identifiers: Orphanet 144, MedGen C4552100, MONDO:0005835. Disease mechanism: loss of function.
Hereditary nonpolyposis colorectal neoplasms. Identifiers: MedGen C0009405, MeSH D003123.

Submissions (2):

All of Us Research Program, National Institutes of Health
Classification: Likely benign for Lynch syndrome. Last evaluated: 2024-05-14. Review status: criteria provided, single submitter. Criteria: ACMG Guidelines, 2015. Collection method: clinical testing. Allele origin: germline. Inheritance: Autosomal dominant inheritance. Observed: 1 variant allele, 1 heterozygote.
Comment: This study involves interpretation of variants in research participants for the purpose of population health screening. Participant phenotype was not available at the time of variant classification. Additional details can be found in publication PMID: 35346344, PMCID: PMC8962531

Labcorp Genetics (formerly Invitae), Labcorp
Classification: Likely benign for Hereditary nonpolyposis colorectal neoplasms. Last evaluated: 2023-01-24. Review status: criteria provided, single submitter. Criteria: Invitae Variant Classification Sherloc (09022015). Collection method: clinical testing. Allele origin: germline.

NM_000535.7(PMS2):c.222G>A (p.Gly74=)

Gene: PMS2 (PMS1 homolog 2, mismatch repair system component; minus strand). Cytogenetic location: 7p22.1.
Variant type: single nucleotide variant.
Coding change: c.222G>A on transcript NM_000535.7 (MANE Select); coding-DNA position 222, G replaced by A.
Protein change: p.Gly74=; no amino-acid change (glycine 74 retained).
Molecular consequence: synonymous variant. On other transcripts: 5 prime UTR variant (37), missense variant (7), non-coding transcript variant (1), intron variant (1).
Genome position (GRCh38, 1-based): chr7:6,004,000, C>T on the plus strand (G>A on the coding strand, the complement: PMS2 is on the minus strand). VCF-style: chr7-6004000-C-T. GRCh37 (hg19) VCF-style: chr7-6043631-C-T.
Other names: c.-184G>A (NM_001018040.1, NM_001322003.2, NM_001322004.2 and 14 more transcripts); c.222G>A, p.Gly74= (NM_001322006.2, NM_001322014.2, NM_001406868.1 and 10 more transcripts); c.7G>A, p.Gly3Ser (NM_001322007.2, NM_001322008.2, NM_001406876.1 and 4 more transcripts); c.-663G>A (NM_001322011.2, NM_001322012.2); c.-263G>A (NM_001322015.2, NM_001406875.1, NM_001406877.1 and 3 more transcripts); c.408G>A, p.Gly136= (NM_001406866.1); c.-210G>A (NM_001406880.1); c.-160G>A (NM_001406881.1, NM_001406900.1); and 3 more; short protein forms G3S.
Identifiers: ClinVar variation 2830330 (VCV002830330.4), dbSNP rs2536513750, ClinGen allele CA366744814.